The following is an entry in ClinVar:

ClinVar aggregate classification (germline): Uncertain significance (1 of 4 stars; one submission).

Conditions:
Hereditary cancer-predisposing syndrome. Also called: Neoplastic Syndromes, Hereditary; Tumor predisposition; Hereditary Cancer Syndrome; Hereditary neoplastic syndrome. Identifiers: Orphanet 140162, MedGen C0027672, MeSH D009386, MONDO:0015356.

Submission:

Ambry Genetics
Classification: Uncertain significance for Hereditary cancer-predisposing syndrome. Last evaluated: 2026-06-09. Review status: criteria provided, single submitter. Criteria: Ambry Variant Classification Scheme 2023. Collection method: clinical testing. Allele origin: germline.
Comment: The p.E340Q variant (also known as c.1018G>C), located in coding exon 8 of the TSC1 gene, results from a G to C substitution at nucleotide position 1018. The glutamic acid at codon 340 is replaced by glutamine, an amino acid with highly similar properties. This amino acid position is conserved. In addition, this alteration is predicted to be deleterious by in silico analysis. Based on the available evidence, the clinical significance of this variant remains unclear.

NM_000368.5(TSC1):c.1018G>C (p.Glu340Gln)

Gene: TSC1 (TSC complex subunit 1; minus strand). Cytogenetic location: 9q34.13.
Variant type: single nucleotide variant.
Coding change: c.1018G>C on transcript NM_000368.5 (MANE Select); coding-DNA position 1018, G replaced by C.
Protein change: p.Glu340Gln; replaces glutamic acid 340 with glutamine.
Molecular consequence: missense variant. On other transcripts: non-coding transcript variant (5), 5 prime UTR variant (2).
Genome position (GRCh38, 1-based): chr9:132,911,464, C>G on the plus strand (G>C on the coding strand, the complement: TSC1 is on the minus strand). VCF-style: chr9-132911464-C-G. GRCh37 (hg19) VCF-style: chr9-135786851-C-G.
Other names: c.655G>C, p.Glu219Gln (NM_001406624.1, NM_001406625.1, NM_001406614.1 and 10 more transcripts); c.67G>C, p.Glu23Gln (NM_001406626.1, NM_001406627.1, NM_001406628.1); c.-76G>C (NM_001406629.1, NM_001406630.1); c.865G>C, p.Glu289Gln (NM_001406612.1, NM_001406613.1, NM_001162427.2 and 2 more transcripts); c.1018G>C, p.Glu340Gln (NM_001162426.2, NM_001406592.1, NM_001406593.1 and 16 more transcripts); short protein forms E219Q, E23Q, E289Q, E340Q.
Identifiers: ClinVar variation 4866047 (VCV004866047.1).
Genomic context (GRCh38, chr9:132,911,464, plus strand): 5'-CTTCACCAGAAAGCAGAGGAGAGAGCAGGCACACTAGTTGACACCATACTTGTGGTGGTT[C>G]AGTTATCAGCCGTGTCGATGGGGAACTCAGAGTCTGAGGTAGCTGCCCTGGCATATTTAA-3'
Protein context (NP_000359.1, residues 330-350): LSSPSTRLIT[Glu340Gln]PPQATLWSPS